The following is an entry in ClinVar:

NM_018116.4(MSTO1):c.813+19A>G

Gene: MSTO1 (misato mitochondrial distribution and morphology regulator 1; plus strand). Cytogenetic location: 1q22.
Variant type: single nucleotide variant.
Coding change: c.813+19A>G on transcript NM_018116.4 (MANE Select); 19 bases into the intron after coding-DNA position 813, A replaced by G.
Molecular consequence: intron variant.
Genome position (GRCh38, 1-based): chr1:155,612,335, A>G. VCF-style: chr1-155612335-A-G. GRCh37 (hg19) VCF-style: chr1-155582126-A-G.
Other names: c.282+19A>G (NM_001350779.1, NM_001350778.1, NM_001350777.1); c.270+19A>G (NM_001350784.1, NM_001350785.1, NM_001350789.1 and 1 more transcripts); c.279+19A>G (NM_001350781.1, NM_001350786.1, NM_001350788.1 and 3 more transcripts); c.648+19A>G (NM_001350776.1); c.813+19A>G (NM_001350773.1, NM_001350774.1, NM_001350775.1 and 3 more transcripts).
Identifiers: ClinVar variation 1910140 (VCV001910140.5), dbSNP rs746213150, ClinGen allele CA1148020.
Genomic context (GRCh38, chr1:155,612,335, plus strand): 5'-ATAATAACCTGGGGCCTGCTACCTGGTCCCTACCATCGTGGGGTGAGTGGAACTTAGAGA[A>G]GTAAACAGTCACACAGTGGGGAGGGAGAAATCAGAATCCCAGTGGGAGAGCTGCTTAATA-3'

ClinVar aggregate classification (germline): Uncertain significance (1 of 4 stars; one submission).

Allele frequency attached by ClinVar (database versions not stated): gnomAD exomes below 0.00001; ExAC 0.00001; gnomAD 0.00001; TOPMed 0.00001.
gnomAD v4.1: 4 of 1,576,580 alleles (0.00025%); highest among the groups gnomAD compares: African/African-American, 0.0054%; no homozygotes.

Submission:

Labcorp Genetics (formerly Invitae), Labcorp
Classification: Uncertain significance. Last evaluated: 2022-08-31. Review status: criteria provided, single submitter. Criteria: Invitae Variant Classification Sherloc (09022015). Collection method: clinical testing. Allele origin: germline.
Comment: In summary, the available evidence is currently insufficient to determine the role of this variant in disease. Therefore, it has been classified as a Variant of Uncertain Significance. This variant is not present in population databases (gnomAD no frequency). This variant has not been reported in the literature in individuals affected with MSTO1-related conditions. Algorithms developed to predict the effect of sequence changes on RNA splicing suggest that this variant may create or strengthen a splice site. This sequence change falls in intron 8 of the MSTO1 gene. It does not directly change the encoded amino acid sequence of the MSTO1 protein.